The following is an entry in ClinVar:

NM_001368809.2(AMPD2):c.1286C>G (p.Thr429Ser)

Genes: AMPD2 (adenosine monophosphate deaminase 2; plus strand), LOC126805822 (BRD4-independent group 4 enhancer GRCh37_chr1:110170748-110171947; plus strand). Cytogenetic location: 1p13.3.
Variant type: single nucleotide variant.
Coding change: c.1286C>G on transcript NM_001368809.2 (MANE Select); coding-DNA position 1286, C replaced by G.
Protein change: p.Thr429Ser; replaces threonine 429 with serine.
Molecular consequence: missense variant.
Genome position (GRCh38, 1-based): chr1:109,628,374, C>G. VCF-style: chr1-109628374-C-G. GRCh37 (hg19) VCF-style: chr1-110170996-C-G.
Other names: c.1094C>G, p.Thr365Ser (NM_001257361.2); c.1223C>G, p.Thr408Ser (NM_001308170.1); c.1286C>G, p.Thr429Ser (NM_004037.9); c.1205C>G, p.Thr402Ser (NM_139156.4); short protein forms T408S, T429S, T365S, T402S.
Identifiers: ClinVar variation 1372057 (VCV001372057.6), dbSNP rs2101165790, ClinGen allele CA341558525.

ClinVar aggregate classification (germline): Uncertain significance (1 of 4 stars; one submission).

Conditions:
Hereditary spastic paraplegia 63. Also called: Spastic paraplegia 63, autosomal recessive. Identifiers: Orphanet 401805, MedGen C3810295, MONDO:0014305, OMIM 615686.
Pontocerebellar hypoplasia type 9. Identifiers: Orphanet 369920, MedGen C4014354, MONDO:0014351, OMIM 615809.

Submission:

Labcorp Genetics (formerly Invitae), Labcorp
Classification: Uncertain significance for Pontocerebellar hypoplasia type 9; Hereditary spastic paraplegia 63. Last evaluated: 2022-07-12. Review status: criteria provided, single submitter. Criteria: Invitae Variant Classification Sherloc (09022015). Collection method: clinical testing. Allele origin: germline.
Comment: In summary, the available evidence is currently insufficient to determine the role of this variant in disease. Therefore, it has been classified as a Variant of Uncertain Significance. This sequence change replaces threonine, which is neutral and polar, with serine, which is neutral and polar, at codon 483 of the AMPD2 protein (p.Thr483Ser). Algorithms developed to predict the effect of missense changes on protein structure and function are either unavailable or do not agree on the potential impact of this missense change (SIFT: "Deleterious"; PolyPhen-2: "Benign"; Align-GVGD: "Class C0"). ClinVar contains an entry for this variant (Variation ID: 1372057). This variant has not been reported in the literature in individuals affected with AMPD2-related conditions. This variant is not present in population databases (gnomAD no frequency).